The following is an entry in ClinVar:

ClinVar aggregate classification (germline): Uncertain significance. Review status: criteria provided, multiple submitters, no conflicts (2 of 4 stars). 2 submissions from 2 submitters: Uncertain significance (2). Last evaluated 2025-07-09.

Conditions:
Hereditary cancer-predisposing syndrome. Also called: Hereditary neoplastic syndrome; Tumor predisposition; Hereditary Cancer Syndrome; Neoplastic Syndromes, Hereditary. Identifiers: Orphanet 140162, MedGen C0027672, MeSH D009386, MONDO:0015356.
Ataxia-telangiectasia syndrome (AT). Also called: Ataxia telangiectasia (A-T); LOUIS-BAR SYNDROME; Cerebello-oculocutaneous telangiectasia; Immunodeficiency with ataxia telangiectasia; AT, COMPLEMENTATION GROUP C; Ataxia-telangiectasia, complementation group D. Identifiers: Orphanet 100, MedGen C0004135, MONDO:0008840, OMIM 208900.

Submissions (2):

Labcorp Genetics (formerly Invitae), Labcorp
Classification: Uncertain significance for Ataxia-telangiectasia syndrome. Last evaluated: 2025-07-09. Review status: criteria provided, single submitter. Criteria: Invitae Variant Classification Sherloc (09022015). Collection method: clinical testing. Allele origin: germline.
Comment: This sequence change replaces aspartic acid, which is acidic and polar, with glycine, which is neutral and non-polar, at codon 351 of the ATM protein (p.Asp351Gly). This variant is not present in population databases (gnomAD no frequency). This variant has not been reported in the literature in individuals affected with ATM-related conditions. ClinVar contains an entry for this variant (Variation ID: 1424020). Invitae Evidence Modeling of protein sequence and biophysical properties (such as structural, functional, and spatial information, amino acid conservation, physicochemical variation, residue mobility, and thermodynamic stability) has been performed for this missense variant. However, the output from this modeling did not meet the statistical confidence thresholds required to predict the impact of this variant on ATM protein function. Algorithms developed to predict the effect of sequence changes on RNA splicing suggest that this variant may create or strengthen a splice site. In summary, the available evidence is currently insufficient to determine the role of this variant in disease. Therefore, it has been classified as a Variant of Uncertain Significance.

Ambry Genetics
Classification: Uncertain significance for Hereditary cancer-predisposing syndrome. Last evaluated: 2025-04-25. Review status: criteria provided, single submitter. Criteria: Ambry Variant Classification Scheme 2023. Collection method: clinical testing. Allele origin: germline.
Comment: The p.D351G variant (also known as c.1052A>G), located in coding exon 7 of the ATM gene, results from an A to G substitution at nucleotide position 1052. The aspartic acid at codon 351 is replaced by glycine, an amino acid with similar properties. This amino acid position is conserved. In addition, this alteration is predicted to be deleterious by in silico analysis. Based on the available evidence, the clinical significance of this variant remains unclear.

NM_000051.4(ATM):c.1052A>G (p.Asp351Gly)

Gene: ATM (ATM serine/threonine kinase; plus strand). Cytogenetic location: 11q22.3.
Variant type: single nucleotide variant.
Coding change: c.1052A>G on transcript NM_000051.4 (MANE Select); coding-DNA position 1052, A replaced by G.
Protein change: p.Asp351Gly; replaces aspartic acid 351 with glycine.
Molecular consequence: missense variant.
Genome position (GRCh38, 1-based): chr11:108,247,114, A>G. VCF-style: chr11-108247114-A-G. GRCh37 (hg19) VCF-style: chr11-108117841-A-G.
Other names: c.1052A>G (NM_000051.3); c.1052A>G, p.Asp351Gly (NM_001351834.2); short protein forms D351G.
Identifiers: ClinVar variation 1424020 (VCV001424020.7), dbSNP rs1057521618, ClinGen allele CA382531775.